The following is an entry in ClinVar:

NM_001012720.2(RGR):c.701C>T (p.Ala234Val)

Gene: RGR (retinal G protein coupled receptor; plus strand). Cytogenetic location: 10q23.1.
Variant type: single nucleotide variant.
Coding change: c.701C>T on transcript NM_001012720.2 (MANE Select); coding-DNA position 701, C replaced by T.
Protein change: p.Ala234Val; replaces alanine 234 with valine.
Molecular consequence: missense variant. On other transcripts: intron variant (1).
Genome position (GRCh38, 1-based): chr10:84,257,963, C>T. VCF-style: chr10-84257963-C-T. GRCh37 (hg19) VCF-style: chr10-86017719-C-T.
Other names: c.713C>T, p.Ala238Val (NM_002921.4); c.631-545C>T (NM_001012722.2); short protein forms A234V, A238V.
Identifiers: ClinVar variation 3633763 (VCV003633763.2).

ClinVar aggregate classification (germline): Uncertain significance (1 of 4 stars; one submission).

gnomAD v4.1: 3 of 1,614,082 alleles (0.00019%); highest among the groups gnomAD compares: Non-Finnish European, 0.00025%; no homozygotes.

Submission:

Labcorp Genetics (formerly Invitae), Labcorp
Classification: Uncertain significance. Last evaluated: 2024-04-18. Review status: criteria provided, single submitter. Criteria: Invitae Variant Classification Sherloc (09022015). Collection method: clinical testing. Allele origin: germline.
Comment: This sequence change replaces alanine, which is neutral and non-polar, with valine, which is neutral and non-polar, at codon 234 of the RGR protein (p.Ala234Val). This variant is present in population databases (no rsID available, gnomAD 0.0008%). This variant has not been reported in the literature in individuals affected with RGR-related conditions. Experimental studies and prediction algorithms are not available or were not evaluated, and the functional significance of this variant is currently unknown. In summary, the available evidence is currently insufficient to determine the role of this variant in disease. Therefore, it has been classified as a Variant of Uncertain Significance.